The following is an entry in ClinVar:

NM_020066.5(FMN2):c.2838C>G (p.Pro946=)

Gene: FMN2 (formin 2; plus strand). Cytogenetic location: 1q43.
Variant type: single nucleotide variant.
Coding change: c.2838C>G on transcript NM_020066.5 (MANE Select); coding-DNA position 2838, C replaced by G.
Protein change: p.Pro946=; no amino-acid change (proline 946 retained).
Molecular consequence: synonymous variant. On other transcripts: intron variant (1).
Genome position (GRCh38, 1-based): chr1:240,207,650, C>G. VCF-style: chr1-240207650-C-G. GRCh37 (hg19) VCF-style: chr1-240370950-C-G.
Other names: c.2850C>G, p.Pro950= (NM_001305424.2); c.1986+19388C>G (NM_001348094.2).
Identifiers: ClinVar variation 2640138 (VCV002640138.24), dbSNP rs749171494, ClinGen allele CA1476798.
Genomic context (GRCh38, chr1:240,207,650, plus strand): 5'-ACCCGGAGCAGGCATACTCCCTCTGCCCCCTCTACCCGGAGCGGGAATACCTCCTCCGCC[C>G]CCTCTACCCGGAGCGGCAATACCCCCTCCGCCCCCTCTTCCCGGGGCAGGCATACCCCTT-3'
Protein context (NP_064450.3, residues 936-956): PLPGAGIPPP[Pro946=]PLPGAAIPPP

ClinVar aggregate classification (germline): Likely benign (1 of 4 stars; one submission).

Allele frequency attached by ClinVar (database versions not stated): ExAC 0.00041.

Submission:

CeGaT Center for Human Genetics Tuebingen
Classification: Likely benign. Last evaluated: 2026-05-01. Review status: criteria provided, single submitter. Criteria: CeGaT Center For Human Genetics Tuebingen Variant Classification Criteria Version 2. Collection method: clinical testing. Allele origin: germline. Affected: yes. Observed: 2 variant alleles.
Comment: FMN2: BP4, BP7